The following is an entry in ClinVar:

NM_153240.5(NPHP3):c.2975C>T (p.Ala992Val)

Genes: NPHP3 (nephrocystin 3; minus strand), NPHP3-ACAD11 (NPHP3-ACAD11 readthrough (NMD candidate); minus strand). Cytogenetic location: 3q22.1.
Variant type: single nucleotide variant.
Coding change: c.2975C>T on transcript NM_153240.5 (MANE Select); coding-DNA position 2975, C replaced by T.
Protein change: p.Ala992Val; replaces alanine 992 with valine.
Molecular consequence: missense variant. On other transcripts: non-coding transcript variant (1).
Genome position (GRCh38, 1-based): chr3:132,688,800, G>A on the plus strand (C>T on the coding strand, the complement: NPHP3 is on the minus strand). VCF-style: chr3-132688800-G-A. GRCh37 (hg19) VCF-style: chr3-132407644-G-A.
Other names: short protein forms A992V.
Identifiers: ClinVar variation 3764589 (VCV003764589.2).

ClinVar aggregate classification (germline): Conflicting classifications of pathogenicity. Review status: criteria provided, conflicting classifications (1 of 4 stars). 2 submissions from 2 submitters: Likely pathogenic (1); Uncertain significance (1). Last evaluated 2024-12-10.

Conditions:
Joubert syndrome and related disorders. Identifiers: Orphanet 140874, MedGen C5679612, MONDO:0015369.
NPHP3-related disorder. Also called: NPHP3-related disorders; NPHP3-related condition. Identifiers: MedGen CN379163.

gnomAD v4.1: 1 of 1,614,072 alleles (0.000062%); no homozygotes.

Submissions (2):

Women's Health and Genetics/Laboratory Corporation of America, LabCorp
Classification: Likely pathogenic for Joubert syndrome and related disorders. Last evaluated: 2024-12-10. Review status: criteria provided, single submitter. Criteria: LabCorp Variant Classification Summary - May 2015. Collection method: clinical testing. Allele origin: germline.
Comment: Variant summary: NPHP3 c.2975C>T (p.Ala992Val) results in a non-conservative amino acid change located in the tetratricopeptide repeat domain of the encoded protein sequence. Five of five in-silico tools predict a damaging effect of the variant on protein function. The variant was absent in 251070 control chromosomes. c.2975C>T has been reported in the literature in homozygous and compound heterozygous individuals affected with renal-hepatic-pancreatic dysplasia, nephronophthisis, and renal cysts (e.g, Cagan_Appak_2020, Konig_2022, Liu_2022, Strong_2017). These data indicate that the variant is likely to be associated with disease. To our knowledge, no experimental evidence demonstrating an impact on protein function has been reported. The following publications have been ascertained in the context of this evaluation (PMID: 32341812, 36090483, 35478332, 29575630). No submitters have cited clinical-significance assessments for this variant to ClinVar. Based on the evidence outlined above, the variant was classified as likely pathogenic.

Daryl Scott Lab, Baylor College of Medicine
Classification: Uncertain significance for NPHP3-related disorder. Last evaluated: 2024-01-01. Review status: criteria provided, single submitter. Criteria: ACMG Guidelines, 2015. Collection method: clinical testing. Allele origin: paternal. Affected: yes. Observed: 1 heterozygote.
Comment: PM2, PP3

Literature cited by the submitters: PubMed 36090483 (cited by Women's Health and Genetics/Laboratory Corporation of America, LabCorp); PubMed 32341812 (cited by Women's Health and Genetics/Laboratory Corporation of America, LabCorp); PubMed 35478332 (cited by Women's Health and Genetics/Laboratory Corporation of America, LabCorp); PubMed 29575630 (cited by Women's Health and Genetics/Laboratory Corporation of America, LabCorp).